The following is an entry in ClinVar:

ClinVar aggregate classification (germline): Uncertain significance. Review status: criteria provided, multiple submitters, no conflicts (2 of 4 stars). 2 submissions from 2 submitters: Uncertain significance (2). Last evaluated 2025-05-19.

Conditions:
Hereditary cancer-predisposing syndrome. Also called: Tumor predisposition; Hereditary Cancer Syndrome; Hereditary neoplastic syndrome; Neoplastic Syndromes, Hereditary. Identifiers: Orphanet 140162, MedGen C0027672, MeSH D009386, MONDO:0015356.
Gastrointestinal stromal tumor. Also called: Gastrointestinal stroma tumor; Gastrointestinal stromal tumor, somatic. Identifiers: Orphanet 44890, MedGen C0238198, MeSH D046152, MONDO:0011719, OMIM 606764, HP:0100723.

Submissions (2):

Ambry Genetics
Classification: Uncertain significance for Hereditary cancer-predisposing syndrome. Last evaluated: 2025-05-19. Review status: criteria provided, single submitter. Criteria: Ambry Variant Classification Scheme 2023. Collection method: clinical testing. Allele origin: germline.
Comment: The p.R739K variant (also known as c.2216G>A), located in coding exon 15 of the KIT gene, results from a G to A substitution at nucleotide position 2216. The arginine at codon 739 is replaced by lysine, an amino acid with highly similar properties. This amino acid position is conserved. In addition, this alteration is predicted to be tolerated by in silico analysis. Based on the available evidence, the clinical significance of this variant remains unclear.

Labcorp Genetics (formerly Invitae), Labcorp
Classification: Uncertain significance for Gastrointestinal stromal tumor. Last evaluated: 2023-05-01. Review status: criteria provided, single submitter. Criteria: Invitae Variant Classification Sherloc (09022015). Collection method: clinical testing. Allele origin: germline.
Comment: This sequence change replaces arginine, which is basic and polar, with lysine, which is basic and polar, at codon 739 of the KIT protein (p.Arg739Lys). This variant is not present in population databases (gnomAD no frequency). This variant has not been reported in the literature in individuals affected with KIT-related conditions. ClinVar contains an entry for this variant (Variation ID: 2009031). An algorithm developed to predict the effect of missense changes on protein structure and function (PolyPhen-2) suggests that this variant is likely to be disruptive. In summary, the available evidence is currently insufficient to determine the role of this variant in disease. Therefore, it has been classified as a Variant of Uncertain Significance.

NM_000222.3(KIT):c.2216G>A (p.Arg739Lys)

Gene: KIT (KIT proto-oncogene, receptor tyrosine kinase; plus strand). Cytogenetic location: 4q12.
Variant type: single nucleotide variant.
Coding change: c.2216G>A on transcript NM_000222.3 (MANE Select); coding-DNA position 2216, G replaced by A.
Protein change: p.Arg739Lys; replaces arginine 739 with lysine.
Molecular consequence: missense variant.
Genome position (GRCh38, 1-based): chr4:54,731,402, G>A. VCF-style: chr4-54731402-G-A. GRCh37 (hg19) VCF-style: chr4-55597568-G-A.
Other names: c.2204G>A, p.Arg735Lys (NM_001093772.2, NM_001385292.1); c.2219G>A, p.Arg740Lys (NM_001385284.1); c.2213G>A, p.Arg738Lys (NM_001385285.1); c.2201G>A, p.Arg734Lys (NM_001385286.1); c.2207G>A, p.Arg736Lys (NM_001385288.1); c.2216G>A, p.Arg739Lys (NM_001385290.1); short protein forms R734K, R739K, R735K, R738K, R740K, R736K.
Identifiers: ClinVar variation 2009031 (VCV002009031.5), dbSNP rs2109792770, ClinGen allele CA356910765.